The following is an entry in ClinVar:

ClinVar aggregate classification (germline): Likely pathogenic (1 of 4 stars; one submission).

Conditions:
Metachromatic leukodystrophy (MLD). Also called: CEREBROSIDE SULFATASE DEFICIENCY; Arylsulfatase A Deficiency; ARSA DEFICIENCY; METACHROMATIC LEUKOENCEPHALOPATHY; SULFATIDE LIPIDOSIS; Cerebral sclerosis diffuse metachromatic form. Identifiers: Orphanet 512, MedGen C0023522, MONDO:0018868, OMIM 250100.

Submission:

Rady Children's Institute for Genomic Medicine, Rady Children's Hospital San Diego
Classification: Likely pathogenic for Deficiency, Arylsulfatase A. Last evaluated: 2020-08-31. Review status: criteria provided, single submitter. Criteria: ACMG Guidelines, 2015. Collection method: clinical testing. Allele origin: germline. Affected: yes.
Comment: This variant has not been previously reported or functionally characterized in the literature to our knowledge. It is absent from the gnomAD population database and thus is presumed to be rare. In silico analyses support a deleterious effect of the variant on protein function. This variant was found in trans with an ARSA variant that was classified Pathogenic. Based on the available evidence, the c.1187A>C (p.Tyr396Ser) variant is classified as Likely Pathogenic.

NM_000487.6(ARSA):c.1187A>C (p.Tyr396Ser)

Gene: ARSA (arylsulfatase A; minus strand). Cytogenetic location: 22q13.33.
Variant type: single nucleotide variant.
Coding change: c.1187A>C on transcript NM_000487.6 (MANE Select); coding-DNA position 1187, A replaced by C.
Protein change: p.Tyr396Ser; replaces tyrosine 396 with serine.
Molecular consequence: missense variant.
Genome position (GRCh38, 1-based): chr22:50,625,602, T>G on the plus strand (A>C on the coding strand, the complement: ARSA is on the minus strand). VCF-style: chr22-50625602-T-G. GRCh37 (hg19) VCF-style: chr22-51064030-T-G.
Other names: c.1187A>C, p.Tyr396Ser (NM_001085425.3, NM_001085426.3, NM_001085427.3); c.929A>C, p.Tyr310Ser (NM_001085428.3, NM_001362782.2); short protein forms Y310S, Y396S.
Identifiers: ClinVar variation 1301882 (VCV001301882.1), dbSNP rs2146717660, ClinGen allele CA412169942.